The following is an entry in ClinVar:

ClinVar aggregate classification (germline): Uncertain significance (1 of 4 stars; one submission).

Conditions:
Kabuki syndrome. Also called: NIIKAWA-KUROKI SYNDROME; Kabuki make-up syndrome. Identifiers: Orphanet 2322, MedGen C0796004, MONDO:0016512.

gnomAD v4.1: 1 of 1,593,056 alleles (0.000063%); no homozygotes.

Submission:

Labcorp Genetics (formerly Invitae), Labcorp
Classification: Uncertain significance for Kabuki syndrome. Last evaluated: 2023-08-30. Review status: criteria provided, single submitter. Criteria: Invitae Variant Classification Sherloc (09022015). Collection method: clinical testing. Allele origin: germline.
Comment: In summary, the available evidence is currently insufficient to determine the role of this variant in disease. Therefore, it has been classified as a Variant of Uncertain Significance. Advanced modeling of protein sequence and biophysical properties (such as structural, functional, and spatial information, amino acid conservation, physicochemical variation, residue mobility, and thermodynamic stability) performed at Invitae indicates that this missense variant is not expected to disrupt KMT2D protein function. This variant has not been reported in the literature in individuals affected with KMT2D-related conditions. This variant is not present in population databases (gnomAD no frequency). This sequence change replaces alanine, which is neutral and non-polar, with valine, which is neutral and non-polar, at codon 2133 of the KMT2D protein (p.Ala2133Val).

NM_003482.4(KMT2D):c.6398C>T (p.Ala2133Val)

Gene: KMT2D (lysine methyltransferase 2D; minus strand). Cytogenetic location: 12q13.12.
Variant type: single nucleotide variant.
Coding change: c.6398C>T on transcript NM_003482.4 (MANE Select); coding-DNA position 6398, C replaced by T.
Protein change: p.Ala2133Val; replaces alanine 2133 with valine.
Molecular consequence: missense variant.
Genome position (GRCh38, 1-based): chr12:49,041,372, G>A on the plus strand (C>T on the coding strand, the complement: KMT2D is on the minus strand). VCF-style: chr12-49041372-G-A. GRCh37 (hg19) VCF-style: chr12-49435155-G-A.
Other names: short protein forms A2133V.
Identifiers: ClinVar variation 2860407 (VCV002860407.3), dbSNP rs2120545971, ClinGen allele CA384751000.